The following is an entry in ClinVar:

NM_001077415.3(CRELD1):c.1049-352C>T

Gene: CRELD1 (CRELD disulfide isomerase 1; plus strand). Cytogenetic location: 3p25.3.
Variant type: single nucleotide variant.
Coding change: c.1049-352C>T on transcript NM_001077415.3 (MANE Select); 352 bases into the intron before coding-DNA position 1049, C replaced by T.
Molecular consequence: intron variant. On other transcripts: missense variant (3).
Genome position (GRCh38, 1-based): chr3:9,944,013, C>T. VCF-style: chr3-9944013-C-T. GRCh37 (hg19) VCF-style: chr3-9985697-C-T.
Other names: c.1160C>T, p.Thr387Ile (NM_001031717.4); c.1172C>T, p.Thr391Ile (NM_001374317.1, NM_001374318.1); c.965-352C>T (NM_001374319.1, NM_001374320.1); c.1049-352C>T (NM_001374316.1, NM_015513.6); short protein forms T387I, T391I.
Identifiers: ClinVar variation 534232 (VCV000534232.15), dbSNP rs139717648, ClinGen allele CA2247945.

ClinVar aggregate classification (germline): Benign/Likely benign. Review status: criteria provided, multiple submitters, no conflicts (2 of 4 stars). 3 submissions from 3 submitters: Benign (1); Likely benign (1). 1 of the submissions does not count toward it. Last evaluated 2024-08-31.

Conditions:
CRELD1-related disorder. Also called: CRELD1-related condition.
Atrioventricular septal defect, susceptibility to, 2. Identifiers: MedGen C1853508, MONDO:0011650, OMIM 606217.

Allele frequency attached by ClinVar (database versions not stated): gnomAD exomes 0.00022 and 0.00055; ExAC 0.00069; 1000 Genomes Project 0.00200; gnomAD 0.00216 and 0.00238; TOPMed 0.00238; 1000 Genomes Project 30x 0.00250; ESP Exome Variant Server 0.00323.
gnomAD v4.1: 501 of 930,388 alleles (0.054%); highest among the groups gnomAD compares: African/African-American, 0.74%; 1 homozygote.

Submissions (3):

Labcorp Genetics (formerly Invitae), Labcorp
Classification: Benign for Atrioventricular septal defect, susceptibility to, 2. Last evaluated: 2024-08-31. Review status: criteria provided, single submitter. Criteria: Invitae Variant Classification Sherloc (09022015). Collection method: clinical testing. Allele origin: germline.

GeneDx
Classification: Likely benign. Last evaluated: 2015-03-03. Review status: criteria provided, single submitter. Criteria: GeneDx Variant Classification Process June 2021. Collection method: clinical testing. Allele origin: germline. Affected: yes.

PreventionGenetics, part of Exact Sciences
Classification: Likely benign for CRELD1-related condition. Last evaluated: 2021-11-18. Review status: no assertion criteria provided. Collection method: clinical testing. Allele origin: germline. Not counted in ClinVar's aggregate classification.
Comment: This variant is classified as likely benign based on ACMG/AMP sequence variant interpretation guidelines (Richards et al. 2015 PMID: 25741868, with internal and published modifications).